The following is an entry in ClinVar:

NM_004706.4(ARHGEF1):c.1738+5C>T

Gene: ARHGEF1 (Rho guanine nucleotide exchange factor 1; plus strand). Cytogenetic location: 19q13.2.
Variant type: single nucleotide variant.
Coding change: c.1738+5C>T on transcript NM_004706.4 (MANE Select); 5 bases into the intron after coding-DNA position 1738, C replaced by T.
Molecular consequence: intron variant.
Genome position (GRCh38, 1-based): chr19:41,902,903, C>T. VCF-style: chr19-41902903-C-T. GRCh37 (hg19) VCF-style: chr19-42407053-C-T.
Other names: c.1639+5C>T (NM_198977.2); c.1783+5C>T (NM_199002.2).
Identifiers: ClinVar variation 1418481 (VCV001418481.30), dbSNP rs113602085, ClinGen allele CA9466447.

ClinVar aggregate classification (germline): Uncertain significance. Review status: criteria provided, multiple submitters, no conflicts (2 of 4 stars). 4 submissions from 4 submitters: Uncertain significance (4). Last evaluated 2026-04-07.

Allele frequency attached by ClinVar (database versions not stated): ExAC 0.00005; ESP Exome Variant Server 0.00008.
gnomAD v4.1: 116 of 1,573,780 alleles (0.0074%); highest among the groups gnomAD compares: Admixed American, 0.018%; no homozygotes.

Submissions (4):

Women's Health and Genetics/Laboratory Corporation of America, LabCorp
Classification: Uncertain significance. Last evaluated: 2026-04-07. Review status: criteria provided, single submitter. Criteria: LabCorp Variant Classification Summary - May 2015. Collection method: clinical testing. Allele origin: germline.

Labcorp Genetics (formerly Invitae), Labcorp
Classification: Uncertain significance. Last evaluated: 2025-10-05. Review status: criteria provided, single submitter. Criteria: Invitae Variant Classification Sherloc (09022015). Collection method: clinical testing. Allele origin: germline.
Comment: This sequence change falls in intron 18 of the ARHGEF1 gene. It does not directly change the encoded amino acid sequence of the ARHGEF1 protein. It affects a nucleotide within the consensus splice site. This variant is present in population databases (rs113602085, gnomAD 0.03%). This variant has not been reported in the literature in individuals affected with ARHGEF1-related conditions. ClinVar contains an entry for this variant (Variation ID: 1418481). Variants that disrupt the consensus splice site are a relatively common cause of aberrant splicing (PMID: 17576681, 9536098). Algorithms developed to predict the effect of sequence changes on RNA splicing suggest that this variant is not likely to affect RNA splicing. In summary, the available evidence is currently insufficient to determine the role of this variant in disease. Therefore, it has been classified as a Variant of Uncertain Significance.

CeGaT Center for Human Genetics Tuebingen
Classification: Uncertain significance. Last evaluated: 2023-06-01. Review status: criteria provided, single submitter. Criteria: CeGaT Center For Human Genetics Tuebingen Variant Classification Criteria Version 2. Collection method: clinical testing. Allele origin: germline. Affected: yes. Observed: 1 variant allele.
Comment: ARHGEF1: PM2:Supporting, PM3:Supporting, BP4

Breakthrough Genomics
Classification: Uncertain significance. Review status: criteria provided, single submitter. Criteria: ACMG Guidelines, 2015. Collection method: not provided. Allele origin: germline. Inheritance: Autosomal dominant inheritance. Affected: yes.

Literature cited by the submitters: PubMed 17576681 (cited by Labcorp Genetics (formerly Invitae), Labcorp); PubMed 9536098 (cited by Labcorp Genetics (formerly Invitae), Labcorp).